The following is an entry in ClinVar:

ClinVar aggregate classification (germline): Uncertain significance (1 of 4 stars; one submission).

Submission:

Women's Health and Genetics/Laboratory Corporation of America, LabCorp
Classification: Uncertain significance. Last evaluated: 2025-07-28. Review status: criteria provided, single submitter. Criteria: LabCorp Variant Classification Summary - May 2015. Collection method: clinical testing. Allele origin: germline.
Comment: Variant summary: ACADVL c.664G>T (p.Gly222Trp) results in a non-conservative amino acid change in the encoded protein sequence. Algorithms developed to predict the effect of missense changes on protein structure and function all suggest that this variant is likely to be disruptive. The variant was absent in 251384 control chromosomes. The available data on variant occurrences in the general population are insufficient to allow any conclusion about variant significance. To our knowledge, no occurrence of c.664G>T in individuals affected with Very Long Chain Acyl-CoA Dehydrogenase Deficiency and no experimental evidence demonstrating its impact on protein function have been reported. A different variant affecting the same codon has been classified as likely pathogenic/pathogenic by our lab (c.664G>A, p.Gly222Arg), supporting the critical relevance of codon 222 to ACADVL protein function. No submitters have cited clinical-significance assessments for this variant to ClinVar. Based on the evidence outlined above, the variant was classified as uncertain significance.

NM_000018.4(ACADVL):c.664G>T (p.Gly222Trp)

Gene: ACADVL (acyl-CoA dehydrogenase very long chain; plus strand). Cytogenetic location: 17p13.1.
Variant type: single nucleotide variant.
Coding change: c.664G>T on transcript NM_000018.4 (MANE Select); coding-DNA position 664, G replaced by T.
Protein change: p.Gly222Trp; replaces glycine 222 with tryptophan.
Molecular consequence: missense variant.
Genome position (GRCh38, 1-based): chr17:7,221,993, G>T. VCF-style: chr17-7221993-G-T. GRCh37 (hg19) VCF-style: chr17-7125312-G-T.
Other names: c.598G>T, p.Gly200Trp (NM_001033859.3); c.733G>T, p.Gly245Trp (NM_001270447.2); c.436G>T, p.Gly146Trp (NM_001270448.2); short protein forms G146W, G245W, G200W, G222W.
Identifiers: ClinVar variation 4526183 (VCV004526183.1).